The following is an entry in ClinVar:

ClinVar aggregate classification (germline): Uncertain significance (1 of 4 stars; one submission).

Allele frequency attached by ClinVar (database versions not stated): gnomAD exomes below 0.00001; TOPMed 0.00002.
gnomAD v4.1: 3 of 1,612,920 alleles (0.00019%); highest among the groups gnomAD compares: Non-Finnish European, 0.00017%; no homozygotes.

Submission:

Labcorp Genetics (formerly Invitae), Labcorp
Classification: Uncertain significance. Last evaluated: 2024-06-11. Review status: criteria provided, single submitter. Criteria: Invitae Variant Classification Sherloc (09022015). Collection method: clinical testing. Allele origin: germline.
Comment: This sequence change replaces isoleucine, which is neutral and non-polar, with threonine, which is neutral and polar, at codon 1542 of the ADGRV1 protein (p.Ile1542Thr). This variant is present in population databases (no rsID available, gnomAD 0.002%). This variant has not been reported in the literature in individuals affected with ADGRV1-related conditions. ClinVar contains an entry for this variant (Variation ID: 1424289). Advanced modeling of protein sequence and biophysical properties (such as structural, functional, and spatial information, amino acid conservation, physicochemical variation, residue mobility, and thermodynamic stability) performed at Invitae indicates that this missense variant is not expected to disrupt ADGRV1 protein function with a negative predictive value of 95%. In summary, the available evidence is currently insufficient to determine the role of this variant in disease. Therefore, it has been classified as a Variant of Uncertain Significance.

NM_032119.4(ADGRV1):c.4625T>C (p.Ile1542Thr)

Gene: ADGRV1 (adhesion G protein-coupled receptor V1; plus strand). Cytogenetic location: 5q14.3.
Variant type: single nucleotide variant.
Coding change: c.4625T>C on transcript NM_032119.4 (MANE Select); coding-DNA position 4625, T replaced by C.
Protein change: p.Ile1542Thr; replaces isoleucine 1542 with threonine.
Molecular consequence: missense variant. On other transcripts: non-coding transcript variant (1).
Genome position (GRCh38, 1-based): chr5:90,658,151, T>C. VCF-style: chr5-90658151-T-C. GRCh37 (hg19) VCF-style: chr5-89953968-T-C.
Other names: short protein forms I1542T.
Identifiers: ClinVar variation 1424289 (VCV001424289.8), dbSNP rs890174548, ClinGen allele CA121841215.